The following is an entry in ClinVar:

NM_006514.4(SCN10A):c.3123C>A (p.Asp1041Glu)

Genes: SCN10A (sodium voltage-gated channel alpha subunit 10; minus strand), LOC110121288 (VISTA enhancer hs2268; plus strand). Cytogenetic location: 3p22.2.
Variant type: single nucleotide variant.
Coding change: c.3123C>A on transcript NM_006514.4 (MANE Select); coding-DNA position 3123, C replaced by A.
Protein change: p.Asp1041Glu; replaces aspartic acid 1041 with glutamic acid.
Molecular consequence: missense variant.
Genome position (GRCh38, 1-based): chr3:38,725,279, G>T on the plus strand (C>A on the coding strand, the complement: SCN10A is on the minus strand). VCF-style: chr3-38725279-G-T. GRCh37 (hg19) VCF-style: chr3-38766770-G-T.
Other names: c.3120C>A, p.Asp1040Glu (NM_001293306.2); c.2829C>A, p.Asp943Glu (NM_001293307.2); short protein forms D1041E, D1040E, D943E.
Identifiers: ClinVar variation 2621908 (VCV002621908.2), dbSNP rs762335489, ClinGen allele CA352156783.

ClinVar aggregate classification (germline): Uncertain significance (1 of 4 stars; one submission).

Conditions:
Cardiovascular phenotype. Identifiers: MedGen CN230736.

Allele frequency attached by ClinVar (database versions not stated): gnomAD 0.00001.
gnomAD v4.1: 8 of 1,595,418 alleles (0.0005%); highest among the groups gnomAD compares: Non-Finnish European, 0.00069%; no homozygotes.

Submission:

Ambry Genetics
Classification: Uncertain significance for Cardiovascular phenotype. Last evaluated: 2024-01-07. Review status: criteria provided, single submitter. Criteria: Ambry Variant Classification Scheme 2023. Collection method: clinical testing. Allele origin: germline.
Comment: The p.D1041E variant (also known as c.3123C>A), located in coding exon 17 of the SCN10A gene, results from a C to A substitution at nucleotide position 3123. The aspartic acid at codon 1041 is replaced by glutamic acid, an amino acid with highly similar properties. This amino acid position is conserved. In addition, this alteration is predicted to be tolerated by in silico analysis. Since supporting evidence is limited at this time, the clinical significance of this alteration remains unclear.